The following is an entry in ClinVar:

ClinVar aggregate classification (germline): Uncertain significance (1 of 4 stars; one submission).

gnomAD v4.1: 2 of 1,582,772 alleles (0.00013%); highest among the groups gnomAD compares: Non-Finnish European, 0.00017%; no homozygotes.

Submission:

CeGaT Center for Human Genetics Tuebingen
Classification: Uncertain significance. Last evaluated: 2025-02-01. Review status: criteria provided, single submitter. Criteria: CeGaT Center For Human Genetics Tuebingen Variant Classification Criteria Version 2. Collection method: clinical testing. Allele origin: germline. Affected: yes. Observed: 1 variant allele.
Comment: GAMT: PM2

NM_000156.6(GAMT):c.295C>A (p.Leu99Ile)

Gene: GAMT (guanidinoacetate N-methyltransferase; minus strand). Cytogenetic location: 19p13.3.
Variant type: single nucleotide variant.
Coding change: c.295C>A on transcript NM_000156.6 (MANE Select); coding-DNA position 295, C replaced by A.
Protein change: p.Leu99Ile; replaces leucine 99 with isoleucine.
Molecular consequence: missense variant.
Genome position (GRCh38, 1-based): chr19:1,399,825, G>T on the plus strand (C>A on the coding strand, the complement: GAMT is on the minus strand). VCF-style: chr19-1399825-G-T. GRCh37 (hg19) VCF-style: chr19-1399824-G-T.
Other names: c.295C>A, p.Leu99Ile (NM_138924.3); short protein forms L99I.
Identifiers: ClinVar variation 3772504 (VCV003772504.13).
Genomic context (GRCh38, chr19:1,399,825, plus strand): 5'-CCTGGAGGGCCTGCGGGCAGAGGGGCACCTTGTGTGTCTGCCGTGGGGCCCAGTCCCGGA[G>T]CCGCTGGAAGACGCCGTCATTGCACTCGATGATCCAATGCTCATCAATGGGCGCCTCCTG-3'
Protein context (NP_000147.1, residues 89-109): IECNDGVFQR[Leu99Ile]RDWAPRQTHK